The following is an entry in ClinVar:

ClinVar aggregate classification (germline): Likely pathogenic (1 of 4 stars; one submission).

Conditions:
Sessile serrated polyposis cancer syndrome (SSPCS). Identifiers: Orphanet 157798, MedGen C4310714, MONDO:0014919, OMIM 617108.

Submission:

Myriad Genetics, Inc.
Classification: Likely pathogenic for Sessile serrated polyposis cancer syndrome. Last evaluated: 2025-12-15. Review status: criteria provided, single submitter. Criteria: Myriad Autosomal Dominant, Autosomal Recessive and X-Linked Classification Criteria (2023). Collection method: clinical testing. Allele origin: unknown.
Comment: This variant is considered likely pathogenic. This variant occurs within a consensus splice junction and is predicted to result in abnormal mRNA splicing of either an out-of-frame exon or an in-frame exon necessary for protein stability and/or normal function.

NM_017763.6(RNF43):c.2308+1G>A

Gene: RNF43 (ring finger protein 43; minus strand). Cytogenetic location: 17q22.
Variant type: single nucleotide variant.
Coding change: c.2308+1G>A on transcript NM_017763.6 (MANE Select); the canonical splice donor site of the intron after coding-DNA position 2308, G replaced by A.
Molecular consequence: splice donor variant. On other transcripts: missense variant (3).
Genome position (GRCh38, 1-based): chr17:58,357,467, C>T on the plus strand (G>A on the coding strand, the complement: RNF43 is on the minus strand). VCF-style: chr17-58357467-C-T. GRCh37 (hg19) VCF-style: chr17-56434828-C-T.
Other names: c.1928G>A, p.Gly643Asp (NM_001437987.1); c.2309G>A, p.Gly770Asp (NM_001438820.1, NM_001438821.1); c.2308+1G>A (NM_001438822.1, NM_001305544.3); c.1927+1G>A (NM_001305545.2); short protein forms G643D, G770D.
Identifiers: ClinVar variation 4812959 (VCV004812959.1).